The following is an entry in ClinVar:

NM_014244.5(ADAMTS2):c.2272G>A (p.Ala758Thr)

Gene: ADAMTS2 (ADAM metallopeptidase with thrombospondin type 1 motif 2; minus strand). Cytogenetic location: 5q35.3.
Variant type: single nucleotide variant.
Coding change: c.2272G>A on transcript NM_014244.5 (MANE Select); coding-DNA position 2272, G replaced by A.
Protein change: p.Ala758Thr; replaces alanine 758 with threonine.
Molecular consequence: missense variant.
Genome position (GRCh38, 1-based): chr5:179,132,248, C>T on the plus strand (G>A on the coding strand, the complement: ADAMTS2 is on the minus strand). VCF-style: chr5-179132248-C-T. GRCh37 (hg19) VCF-style: chr5-178559249-C-T.
Other names: p.Ala758Thr; short protein forms A758T.
Identifiers: ClinVar variation 450954 (VCV000450954.57), dbSNP rs146222244, ClinGen allele CA3595611.
Genomic context (GRCh38, chr5:179,132,248, plus strand): 5'-CCAGGTCCTGAGGACGTCAAGTTGTCCGGCTCTGAGACTCACCCAGATGGTGGCTGGTGG[C>T]GTCTACCTCCTGAATGAGCAGGTGTCTGGCTCCTGCAGGGATCTCAAACATCTTGATGTA-3'
Protein context (NP_055059.2, residues 748-768): ARHLLIQEVD[Ala758Thr]TSHHLAVKNL

ClinVar aggregate classification (germline): Conflicting classifications of pathogenicity. Review status: criteria provided, conflicting classifications (1 of 4 stars). 9 submissions from 9 submitters: Uncertain significance (7); Likely benign (1). 1 of the submissions does not count toward it. Last evaluated 2026-09-10.

Conditions:
Ehlers-Danlos syndrome, dermatosparaxis type. Also called: Dermatosparaxis; Ehlers-Danlos syndrome, type VII, autosomal recessive; EDS VIIC. Identifiers: Orphanet 1901, MedGen C2700425, MONDO:0009161, OMIM 225410.

Allele frequency attached by ClinVar (database versions not stated): gnomAD exomes 0.00043 and 0.00064; ExAC 0.00044; ESP Exome Variant Server 0.00046; gnomAD 0.00052 and 0.00054; TOPMed 0.00053; 1000 Genomes Project 30x 0.00078; 1000 Genomes Project 0.00080.
gnomAD v4.1: 1,004 of 1,614,090 alleles (0.062%); highest among the groups gnomAD compares: Non-Finnish European, 0.073%; no homozygotes.

Submissions (9):

GeneDx
Classification: Uncertain significance. Last evaluated: 2026-09-10. Review status: criteria provided, single submitter. Criteria: GeneDx Variant Classification Process June 2021. Collection method: clinical testing. Allele origin: germline.
Comment: In silico analysis suggests that this missense variant does not alter protein structure/function; Has not been previously published as pathogenic or benign to our knowledge; This variant is associated with the following publications: (PMID: 35449494)

Women's Health and Genetics/Laboratory Corporation of America, LabCorp
Classification: Uncertain significance. Last evaluated: 2025-12-08. Review status: criteria provided, single submitter. Criteria: LabCorp Variant Classification Summary - May 2015. Collection method: clinical testing. Allele origin: germline.
Comment: Variant summary: ADAMTS2 c.2272G>A (p.Ala758Thr) results in a non-conservative amino acid change located in the ADAMTS/ADAMTS-like, Spacer 1 domain (IPR010294) of the encoded protein sequence. Algorithms developed to predict the effect of missense changes on protein structure and function are either unavailable or do not agree on the potential impact of this missense change. The variant allele was found at a frequency of 0.00043 in 251312 control chromosomes. This frequency is not significantly higher than estimated for disease-causing variants in ADAMTS2, allowing no conclusion about variant significance. c.2272G>A has been reported in the literature without strong evidence for or against pathogenicity (Moi_2022). This report does not provide unequivocal conclusions about association of the variant with Ehlers-Danlos syndrome, dermatosparaxis type. To our knowledge, no experimental evidence demonstrating an impact on protein function has been reported. The following publication has been ascertained in the context of this evaluation (PMID: 35449494). ClinVar contains an entry for this variant (Variation ID: 450954). Based on the evidence outlined above, the variant was classified as uncertain significance.

Mayo Clinic Laboratories, Mayo Clinic
Classification: Uncertain significance. Last evaluated: 2025-09-16. Review status: criteria provided, single submitter. Criteria: ACMG Guidelines, 2015. Collection method: clinical testing. Allele origin: germline. Observed: 6 variant alleles.
Comment: BP4_moderate

Dasa
Classification: Uncertain significance for Ehlers-Danlos syndrome, dermatosparaxis type. Last evaluated: 2025-03-05. Review status: criteria provided, single submitter. Criteria: DASA Assertion Criteria. Collection method: clinical testing. Allele origin: germline.
Comment: NM_014244.5(ADAMTS2):c.2272G>A (p.Ala758Thr) is a missense variant that results in the substitution of alanine with threonine. This variant is rare in population databases. Computational prediction algorithms are consistent with a benign effect. The currently available literature and clinical evidence are not sufficient to establish a definitive association between this variant and the reported condition. Therefore, this variant is classified as a variant of uncertain significance.

Labcorp Genetics (formerly Invitae), Labcorp
Classification: Uncertain significance for Ehlers-Danlos syndrome, dermatosparaxis type. Last evaluated: 2025-01-25. Review status: criteria provided, single submitter. Criteria: Invitae Variant Classification Sherloc (09022015). Collection method: clinical testing. Allele origin: germline.
Comment: This sequence change replaces alanine, which is neutral and non-polar, with threonine, which is neutral and polar, at codon 758 of the ADAMTS2 protein (p.Ala758Thr). This variant is present in population databases (rs146222244, gnomAD 0.06%), and has an allele count higher than expected for a pathogenic variant. This variant has not been reported in the literature in individuals affected with ADAMTS2-related conditions. ClinVar contains an entry for this variant (Variation ID: 450954). An algorithm developed to predict the effect of missense changes on protein structure and function outputs the following: PolyPhen-2: "Benign". The threonine amino acid residue is found in multiple mammalian species, which suggests that this missense change does not adversely affect protein function. In summary, the available evidence is currently insufficient to determine the role of this variant in disease. Therefore, it has been classified as a Variant of Uncertain Significance.

Blueprint Genetics
Classification: Likely benign. Last evaluated: 2024-11-13. Review status: criteria provided, single submitter. Criteria: ACMG Guidelines, 2015. Collection method: clinical testing. Allele origin: germline.

Fulgent Genetics
Classification: Uncertain significance for Ehlers-Danlos syndrome, dermatosparaxis type. Last evaluated: 2021-12-02. Review status: criteria provided, single submitter. Criteria: ACMG Guidelines, 2015. Collection method: clinical testing. Allele origin: unknown.

CeGaT Center for Human Genetics Tuebingen
Classification: Uncertain significance. Last evaluated: 2018-05-01. Review status: criteria provided, single submitter. Criteria: CeGaT Center For Human Genetics Tuebingen Variant Classification Criteria Version 2. Collection method: clinical testing. Allele origin: germline. Affected: yes. Observed: 1 variant allele.

Natera, Inc.
Classification: Likely benign for Ehlers-Danlos syndrome type VIIC. Last evaluated: 2020-05-01. Review status: no assertion criteria provided. Collection method: clinical testing. Allele origin: germline. Not counted in ClinVar's aggregate classification.

Literature cited by the submitters: PubMed 35449494 (cited by Women's Health and Genetics/Laboratory Corporation of America, LabCorp).